The following is an entry in ClinVar:

NM_021975.4(RELA):c.1644G>C (p.Gln548His)

Gene: RELA (RELA proto-oncogene, NF-kB subunit; minus strand). Cytogenetic location: 11q13.1.
Variant type: single nucleotide variant.
Coding change: c.1644G>C on transcript NM_021975.4 (MANE Select); coding-DNA position 1644, G replaced by C.
Protein change: p.Gln548His; replaces glutamine 548 with histidine.
Molecular consequence: missense variant.
Genome position (GRCh38, 1-based): chr11:65,654,390, C>G on the plus strand (G>C on the coding strand, the complement: RELA is on the minus strand). VCF-style: chr11-65654390-C-G. GRCh37 (hg19) VCF-style: chr11-65421861-C-G.
Other names: c.1635G>C, p.Gln545His (NM_001145138.2); c.1437G>C, p.Gln479His (NM_001243984.2); c.1335G>C, p.Gln445His (NM_001243985.2); c.1677G>C, p.Gln559His (NM_001404657.1); c.1617G>C, p.Gln539His (NM_001404658.1); c.1431G>C, p.Gln477His (NM_001404659.1); c.1326G>C, p.Gln442His (NM_001404660.1); c.1263G>C, p.Gln421His (NM_001404661.1); and 1 more; short protein forms Q421H, Q445H, Q477H, Q479H, Q539H, Q548H, Q559H, Q517H.
Identifiers: ClinVar variation 4694970 (VCV004694970.1).

ClinVar aggregate classification (germline): Uncertain significance (1 of 4 stars; one submission).

gnomAD v4.1: 4 of 1,613,350 alleles (0.00025%); highest among the groups gnomAD compares: Admixed American, 0.0067%; no homozygotes.

Submission:

Labcorp Genetics (formerly Invitae), Labcorp
Classification: Uncertain significance. Last evaluated: 2025-11-22. Review status: criteria provided, single submitter. Criteria: Invitae Variant Classification Sherloc (09022015). Collection method: clinical testing. Allele origin: germline.
Comment: This sequence change replaces glutamine, which is neutral and polar, with histidine, which is basic and polar, at codon 548 of the RELA protein (p.Gln548His). This variant is present in population databases (no rsID available, gnomAD 0.009%). This variant has not been reported in the literature in individuals affected with RELA-related conditions. An algorithm developed to predict the effect of missense changes on protein structure and function (PolyPhen-2) suggests that this variant is likely to be disruptive. In summary, the available evidence is currently insufficient to determine the role of this variant in disease. Therefore, it has been classified as a Variant of Uncertain Significance.